The following is an entry in ClinVar:

ClinVar aggregate classification (germline): Uncertain significance (1 of 4 stars; one submission).

Submission:

Labcorp Genetics (formerly Invitae), Labcorp
Classification: Uncertain significance. Last evaluated: 2022-03-07. Review status: criteria provided, single submitter. Criteria: Invitae Variant Classification Sherloc (09022015). Collection method: clinical testing. Allele origin: germline.
Comment: In summary, the available evidence is currently insufficient to determine the role of this variant in disease. Therefore, it has been classified as a Variant of Uncertain Significance. Algorithms developed to predict the effect of missense changes on protein structure and function output the following: SIFT: "Tolerated"; PolyPhen-2: "Benign"; Align-GVGD: "Class C0". The glycine amino acid residue is found in multiple mammalian species, which suggests that this missense change does not adversely affect protein function. This variant has not been reported in the literature in individuals affected with PAX1-related conditions. This variant is not present in population databases (gnomAD no frequency). This sequence change replaces serine, which is neutral and polar, with glycine, which is neutral and non-polar, at codon 506 of the PAX1 protein (p.Ser506Gly).

NM_001257096.2(PAX1):c.*152A>G

Gene: PAX1 (paired box 1; plus strand). Cytogenetic location: 20p11.22.
Variant type: single nucleotide variant.
Coding change: c.*152A>G on transcript NM_001257096.2 (MANE Select); 152 bases downstream of the stop codon, A replaced by G.
Molecular consequence: 3 prime UTR variant. On other transcripts: missense variant (1).
Genome position (GRCh38, 1-based): chr20:21,714,714, A>G. VCF-style: chr20-21714714-A-G. GRCh37 (hg19) VCF-style: chr20-21695352-A-G.
Other names: c.1516A>G, p.Ser506Gly (NM_006192.5); short protein forms S506G.
Identifiers: ClinVar variation 2056893 (VCV002056893.4), dbSNP rs1985311409, ClinGen allele CA408500259.
Genomic context (GRCh38, chr20:21,714,714, plus strand): 5'-AGGATCGGAGGACTCGCGGAGGAGGAAGCCAGTGCCGGCCCGCGGGGTGCACGCCCAGCC[A>G]GCCCCCAGGCCCAGCCCTGCCTCTGGCCGGACCCACCACACTTCCTTTATTGGTCTGGGT-3'